The following is an entry in ClinVar:

NM_016151.4(TAOK2):c.3292C>T (p.Arg1098Trp)

Gene: TAOK2 (TAO kinase 2; plus strand). Cytogenetic location: 16p11.2.
Variant type: single nucleotide variant.
Coding change: c.3292C>T on transcript NM_016151.4 (MANE Select); coding-DNA position 3292, C replaced by T.
Protein change: p.Arg1098Trp; replaces arginine 1098 with tryptophan.
Molecular consequence: missense variant. On other transcripts: intron variant (1).
Genome position (GRCh38, 1-based): chr16:29,987,564, C>T. VCF-style: chr16-29987564-C-T. GRCh37 (hg19) VCF-style: chr16-29998885-C-T.
Other names: c.2953C>T, p.Arg985Trp (NM_001252043.2); c.2232+1060C>T (NM_004783.4); short protein forms R1098W, R985W.
Identifiers: ClinVar variation 1925322 (VCV001925322.5), dbSNP rs761440065, ClinGen allele CA7998537.
Genomic context (GRCh38, chr16:29,987,564, plus strand): 5'-CGCCGGGGCATATCTCGACTCTGGTTGCGGGTTCTGCTGCGCCTGTCACCCATGGCCTTC[C>T]GGGCCCTGCAGGGCTGTGGGGCTGTGGGGGACCGGGGTCTGTTTGCACTGTACCCCAAAA-3'
Protein context (NP_057235.2, residues 1088-1108): VLLRLSPMAF[Arg1098Trp]ALQGCGAVGD

ClinVar aggregate classification (germline): Uncertain significance (1 of 4 stars; one submission).

Allele frequency attached by ClinVar (database versions not stated): TOPMed 0.00005; ExAC 0.00013; gnomAD 0.00017.
gnomAD v4.1: 148 of 1,612,556 alleles (0.0092%); highest among the groups gnomAD compares: African/African-American, 0.017%; no homozygotes.

Submission:

Labcorp Genetics (formerly Invitae), Labcorp
Classification: Uncertain significance. Last evaluated: 2024-11-15. Review status: criteria provided, single submitter. Criteria: Invitae Variant Classification Sherloc (09022015). Collection method: clinical testing. Allele origin: germline.
Comment: This sequence change replaces arginine, which is basic and polar, with tryptophan, which is neutral and slightly polar, at codon 1098 of the TAOK2 protein (p.Arg1098Trp). This variant is present in population databases (rs761440065, gnomAD 0.1%), and has an allele count higher than expected for a pathogenic variant. This variant has not been reported in the literature in individuals affected with TAOK2-related conditions. ClinVar contains an entry for this variant (Variation ID: 1925322). An algorithm developed to predict the effect of missense changes on protein structure and function outputs the following: PolyPhen-2: "Benign". The tryptophan amino acid residue is found in multiple mammalian species, which suggests that this missense change does not adversely affect protein function. In summary, the available evidence is currently insufficient to determine the role of this variant in disease. Therefore, it has been classified as a Variant of Uncertain Significance.